The following is an entry in ClinVar:

NM_001371986.1(UNC80):c.9209C>T (p.Ser3070Phe)

Gene: UNC80 (unc-80 subunit of NALCN channel complex; plus strand). Cytogenetic location: 2q34.
Variant type: single nucleotide variant.
Coding change: c.9209C>T on transcript NM_001371986.1 (MANE Select); coding-DNA position 9209, C replaced by T.
Protein change: p.Ser3070Phe; replaces serine 3070 with phenylalanine.
Molecular consequence: missense variant.
Genome position (GRCh38, 1-based): chr2:209,982,269, C>T. VCF-style: chr2-209982269-C-T. GRCh37 (hg19) VCF-style: chr2-210846993-C-T.
Other names: c.9011C>T, p.Ser3004Phe (NM_032504.2); c.8996C>T, p.Ser2999Phe (NM_182587.4); short protein forms S2999F, S3004F, S3070F.
Identifiers: ClinVar variation 3704235 (VCV003704235.2).

ClinVar aggregate classification (germline): Uncertain significance (1 of 4 stars; one submission).

Submission:

Labcorp Genetics (formerly Invitae), Labcorp
Classification: Uncertain significance. Last evaluated: 2024-09-29. Review status: criteria provided, single submitter. Criteria: Invitae Variant Classification Sherloc (09022015). Collection method: clinical testing. Allele origin: germline.
Comment: This sequence change replaces serine, which is neutral and polar, with phenylalanine, which is neutral and non-polar, at codon 3004 of the UNC80 protein (p.Ser3004Phe). This variant is not present in population databases (gnomAD no frequency). This variant has not been reported in the literature in individuals affected with UNC80-related conditions. Invitae Evidence Modeling of protein sequence and biophysical properties (such as structural, functional, and spatial information, amino acid conservation, physicochemical variation, residue mobility, and thermodynamic stability) indicates that this missense variant is not expected to disrupt UNC80 protein function with a negative predictive value of 80%. In summary, the available evidence is currently insufficient to determine the role of this variant in disease. Therefore, it has been classified as a Variant of Uncertain Significance.